The following is an entry in ClinVar:

NM_003995.4(NPR2):c.2339G>T (p.Gly780Val)

Gene: NPR2 (natriuretic peptide receptor 2; plus strand). Cytogenetic location: 9p13.3.
Variant type: single nucleotide variant.
Coding change: c.2339G>T on transcript NM_003995.4 (MANE Select); coding-DNA position 2339, G replaced by T.
Protein change: p.Gly780Val; replaces glycine 780 with valine.
Molecular consequence: missense variant.
Genome position (GRCh38, 1-based): chr9:35,806,200, G>T. VCF-style: chr9-35806200-G-T. GRCh37 (hg19) VCF-style: chr9-35806197-G-T.
Other names: c.2348G>T, p.Gly783Val (NM_001378923.1); c.2339G>T (NM_003995.3); short protein forms G780V, G783V.
Identifiers: ClinVar variation 3761115 (VCV003761115.3).

ClinVar aggregate classification (germline): Uncertain significance. Review status: criteria provided, multiple submitters, no conflicts (2 of 4 stars). 2 submissions from 2 submitters: Uncertain significance (2). Last evaluated 2026-03-23.

Conditions:
Inborn genetic diseases. Identifiers: MedGen C0950123, MeSH D030342.
Acromesomelic dysplasia 1, Maroteaux type (AMD1). Also called: ACROMESOMELIC DYSPLASIA 1; ST. HELENA DYSPLASIA. Identifiers: Orphanet 40, MedGen C1864356, MONDO:0011275, OMIM 602875.
Tall stature-scoliosis-macrodactyly of the great toes syndrome. Also called: Epiphyseal chondrodysplasia, miura type. Identifiers: Orphanet 329191, MedGen C4014690, MONDO:0014401, OMIM 615923.

gnomAD v4.1: 3 of 1,614,106 alleles (0.00019%); highest among the groups gnomAD compares: African/African-American, 0.004%; no homozygotes.

Submissions (2):

Ambry Genetics
Classification: Uncertain significance for Inborn genetic diseases. Last evaluated: 2026-03-23. Review status: criteria provided, single submitter. Criteria: Ambry Variant Classification Scheme 2023. Collection method: clinical testing. Allele origin: germline.

Labcorp Genetics (formerly Invitae), Labcorp
Classification: Uncertain significance for Tall stature-scoliosis-macrodactyly of the great toes syndrome; Acromesomelic dysplasia 1, Maroteaux type. Last evaluated: 2025-01-08. Review status: criteria provided, single submitter. Criteria: Invitae Variant Classification Sherloc (09022015). Collection method: clinical testing. Allele origin: germline.
Comment: This sequence change replaces glycine, which is neutral and non-polar, with valine, which is neutral and non-polar, at codon 780 of the NPR2 protein (p.Gly780Val). This variant is not present in population databases (gnomAD no frequency). This variant has not been reported in the literature in individuals affected with NPR2-related conditions. Invitae Evidence Modeling of protein sequence and biophysical properties (such as structural, functional, and spatial information, amino acid conservation, physicochemical variation, residue mobility, and thermodynamic stability) indicates that this missense variant is not expected to disrupt NPR2 protein function with a negative predictive value of 80%. In summary, the available evidence is currently insufficient to determine the role of this variant in disease. Therefore, it has been classified as a Variant of Uncertain Significance.